The following is an entry in ClinVar:

NM_001130438.3(SPTAN1):c.14G>T (p.Gly5Val)

Gene: SPTAN1 (spectrin alpha, non-erythrocytic 1; plus strand). Cytogenetic location: 9q34.11.
Variant type: single nucleotide variant.
Coding change: c.14G>T on transcript NM_001130438.3 (MANE Select); coding-DNA position 14, G replaced by T.
Protein change: p.Gly5Val; replaces glycine 5 with valine.
Molecular consequence: missense variant.
Genome position (GRCh38, 1-based): chr9:128,566,754, G>T. VCF-style: chr9-128566754-G-T. GRCh37 (hg19) VCF-style: chr9-131329033-G-T.
Other names: c.14G>T, p.Gly5Val (NM_001195532.2, NM_001363759.2, NM_001363765.2 and 5 more transcripts); c.50G>T, p.Gly17Val (NM_001375312.2, NM_001375318.1); short protein forms G17V, G5V.
Identifiers: ClinVar variation 3384426 (VCV003384426.1).
Genomic context (GRCh38, chr9:128,566,754, plus strand): 5'-TTGGTGCCTATTGGTACTTATCTCAGCGCATTTTGTCATTTCAGAAAATGGACCCAAGTG[G>T]GGTCAAAGTGCTGGAAACAGCAGAGGACATCCAGGAGAGGCGGCAGCAGGTCCTAGACCG-3'
Protein context (NP_001123910.1, residues 1-15): MDPS[Gly5Val]VKVLETAEDI

ClinVar aggregate classification (germline): Uncertain significance (1 of 4 stars; one submission).

Submission:

GeneDx
Classification: Uncertain significance. Last evaluated: 2024-05-30. Review status: criteria provided, single submitter. Criteria: GeneDx Variant Classification Process June 2021. Collection method: clinical testing. Allele origin: germline. Affected: yes.
Comment: Not observed at significant frequency in large population cohorts (gnomAD); In silico analysis supports that this missense variant has a deleterious effect on protein structure/function; Has not been previously published as pathogenic or benign to our knowledge